The following is an entry in ClinVar:

NM_032043.3(BRIP1):c.3611G>T (p.Ser1204Ile)

Gene: BRIP1 (BRCA1 interacting DNA helicase 1; minus strand). Cytogenetic location: 17q23.2.
Variant type: single nucleotide variant.
Coding change: c.3611G>T on transcript NM_032043.3 (MANE Select); coding-DNA position 3611, G replaced by T.
Protein change: p.Ser1204Ile; replaces serine 1204 with isoleucine.
Molecular consequence: missense variant.
Genome position (GRCh38, 1-based): chr17:61,683,435, C>A on the plus strand (G>T on the coding strand, the complement: BRIP1 is on the minus strand). VCF-style: chr17-61683435-C-A. GRCh37 (hg19) VCF-style: chr17-59760796-C-A.
Other names: short protein forms S1204I.
Identifiers: ClinVar variation 1733232 (VCV001733232.2), dbSNP rs2144069943, ClinGen allele CA400478038.
Genomic context (GRCh38, chr17:61,683,435, plus strand): 5'-CCCAGTTCCAGTTCATTTATCCAAGTTGTTTTTACATTACCATCAATGTCATCAATTTTA[C>A]TTTCTTCAATATGCAGAATTCCATTCAACTTTGTATCTATGCAATCCTCAGCTTTCACTT-3'
Protein context (NP_114432.2, residues 1194-1214): KLNGILHIEE[Ser1204Ile]KIDDIDGNVK

ClinVar aggregate classification (germline): Uncertain significance (1 of 4 stars; one submission).

Conditions:
Hereditary cancer-predisposing syndrome. Also called: Neoplastic Syndromes, Hereditary; Tumor predisposition; Hereditary Cancer Syndrome; Hereditary neoplastic syndrome. Identifiers: Orphanet 140162, MedGen C0027672, MeSH D009386, MONDO:0015356.

Submission:

Ambry Genetics
Classification: Uncertain significance for Hereditary cancer-predisposing syndrome. Last evaluated: 2021-12-11. Review status: criteria provided, single submitter. Criteria: Ambry Variant Classification Scheme 2023. Collection method: clinical testing. Allele origin: germline.
Comment: The p.S1204I variant (also known as c.3611G>T), located in coding exon 19 of the BRIP1 gene, results from a G to T substitution at nucleotide position 3611. The serine at codon 1204 is replaced by isoleucine, an amino acid with dissimilar properties. This amino acid position is conserved. In addition, this alteration is predicted to be tolerated by in silico analysis. Since supporting evidence is limited at this time, the clinical significance of this alteration remains unclear.